The following is an entry in ClinVar:

ClinVar aggregate classification (germline): Uncertain significance (1 of 4 stars; one submission).

Conditions:
Inborn genetic diseases. Identifiers: MedGen C0950123, MeSH D030342.

Submission:

Ambry Genetics
Classification: Uncertain significance for Inborn genetic diseases. Last evaluated: 2019-11-24. Review status: criteria provided, single submitter. Criteria: Ambry Variant Classification Scheme 2023. Collection method: clinical testing. Allele origin: germline.
Comment: The c.1476_1499del24 variant (also known as p.E493_E500del) is located in coding exon 4 of the NEFH gene. This variant results from an in-frame deletion of 24 nucleotides at positions 1476 to 1499. This results in the in-frame deletion of 8 amino acids between codons 493 and 500. This region is poorly conserved in available vertebrate species. Since supporting evidence is limited at this time, the clinical significance of this alteration remains unclear.

NM_021076.4(NEFH):c.1476_1499del (p.Glu493_Glu500del)

Gene: NEFH (neurofilament heavy chain; plus strand). Cytogenetic location: 22q12.2.
Variant type: Deletion.
Coding change: c.1476_1499del on transcript NM_021076.4 (MANE Select); coding-DNA positions 1476 to 1499, 24 bases deleted (GGAGGCAGAAGGGGGAGAAGAAGA).
Protein change: p.Glu493_Glu500del.
Molecular consequence: inframe deletion.
Genome position (GRCh38, 1-based): chr22:29,489,116-29,489,139, GGAGGCAGAAGGGGGAGAAGAAGA deleted; deleting any 24 consecutive bases within chr22:29,489,108-29,489,139 gives the same sequence; the c. name uses the placement nearest the transcript's 3' end. VCF-style (leftmost placement, unchanged base first): chr22-29489107-TGAAGAAGAGGAGGCAGAAGGGGGA-T. GRCh37 (hg19) VCF-style: chr22-29885096-TGAAGAAGAGGAGGCAGAAGGGGGA-T.
Identifiers: ClinVar variation 1773456 (VCV001773456.2), dbSNP rs748774766, ClinGen allele CA10174216.